The following is an entry in ClinVar:

NM_012233.3(RAB3GAP1):c.1237-81_1237-78del

Gene: RAB3GAP1 (RAB3 GTPase activating protein catalytic subunit 1; plus strand). Cytogenetic location: 2q21.3.
Variant type: Deletion.
Coding change: c.1237-81_1237-78del on transcript NM_012233.3 (MANE Select); 81 bases into the intron before coding-DNA position 1237 through 78 bases into the intron before coding-DNA position 1237, 4 bases deleted (ATAA; older notation c.1237-81_1237-78delATAA).
Molecular consequence: intron variant.
Genome position (GRCh38, 1-based): chr2:135,132,814-135,132,817, ATAA deleted; deleting any 4 consecutive bases within chr2:135,132,811-135,132,817 gives the same sequence; the c. name uses the placement nearest the transcript's 3' end. VCF-style (leftmost placement, unchanged base first): chr2-135132810-TTAAA-T. GRCh37 (hg19) VCF-style: chr2-135890380-TTAAA-T.
Other names: c.1237-81_1237-78del (NM_001172435.2).
Identifiers: ClinVar variation 1691582 (VCV001691582.3), dbSNP rs139386725, ClinGen allele CA56569798.

ClinVar aggregate classification (germline): Likely benign (1 of 4 stars; one submission).

Submission:

GeneDx
Classification: Likely benign. Last evaluated: 2020-04-20. Review status: criteria provided, single submitter. Criteria: GeneDx Variant Classification Process June 2021. Collection method: clinical testing. Allele origin: germline. Affected: yes.
Comment: See Variant Classification Assertion Criteria.